The following is an entry in ClinVar:

ClinVar aggregate classification (germline): Pathogenic (1 of 4 stars; one submission).

Conditions:
Familial adenomatous polyposis 4 (FAP4). Also called: MSH3-related attenuated familial adenomatous polyposis. Identifiers: Orphanet 480536, MedGen C4310719, MONDO:0044300, OMIM 617100.

Submission:

Myriad Genetics, Inc.
Classification: Pathogenic for Familial adenomatous polyposis 4. Last evaluated: 2023-08-30. Review status: criteria provided, single submitter. Criteria: Myriad Autosomal Dominant, Autosomal Recessive and X-Linked Classification Criteria (2023). Collection method: clinical testing. Allele origin: unknown.
Comment: This variant is considered pathogenic. This variant creates a termination codon and is predicted to result in premature protein truncation.

NM_002439.5(MSH3):c.1932_1941del (p.Thr644_Leu645insTer)

Gene: MSH3 (mutS homolog 3; plus strand). Cytogenetic location: 5q14.1.
Variant type: Deletion.
Coding change: c.1932_1941del on transcript NM_002439.5 (MANE Select); coding-DNA positions 1932 to 1941, 10 bases deleted (TTTATATCAC; older notation c.1932_1941delTTTATATCAC).
Protein change: p.Thr644_Leu645insTer.
Molecular consequence: frameshift variant.
Genome position (GRCh38, 1-based): chr5:80,767,968-80,767,977, TTTATATCAC deleted; deleting any 10 consecutive bases within chr5:80,767,966-80,767,977 gives the same sequence; the c. name uses the placement nearest the transcript's 3' end. VCF-style (leftmost placement, unchanged base first): chr5-80767965-AACTTTATATC-A. GRCh37 (hg19) VCF-style: chr5-80063784-AACTTTATATC-A.
Identifiers: ClinVar variation 2673563 (VCV002673563.1), dbSNP rs2546773567, ClinGen allele CA2695198670.
Genomic context (GRCh38, chr5:80,767,965, plus strand): 5'-ATTTCATAAAAAATATTTCTATTTTCAGTGTTCTACCCAAGAGTTCTTCTTGATTGTCAA[AACTTTATATC>A]ACCTAAAGTCAGAATTTCAAGCAATAATACCTGCTGTTAATTCCCACATTCAGTCAGACT-3'